The following is an entry in ClinVar:

NM_013338.5(ALG5):c.871G>C (p.Val291Leu)

Gene: ALG5 (ALG5 dolichyl-phosphate beta-glucosyltransferase; minus strand). Cytogenetic location: 13q13.3.
Variant type: single nucleotide variant.
Coding change: c.871G>C on transcript NM_013338.5 (MANE Select); coding-DNA position 871, G replaced by C.
Protein change: p.Val291Leu; replaces valine 291 with leucine.
Molecular consequence: missense variant.
Genome position (GRCh38, 1-based): chr13:36,950,046, C>G on the plus strand (G>C on the coding strand, the complement: ALG5 is on the minus strand). VCF-style: chr13-36950046-C-G. GRCh37 (hg19) VCF-style: chr13-37524183-C-G.
Other names: c.781G>C, p.Val261Leu (NM_001142364.1); short protein forms V291L, V261L.
Identifiers: ClinVar variation 4992770 (VCV004992770.1).

ClinVar aggregate classification (germline): Uncertain significance (1 of 4 stars; one submission).

Conditions:
ALG5-related disorder. Also called: ALG5-related condition.

gnomAD v4.1: 7 of 1,597,698 alleles (0.00044%); highest among the groups gnomAD compares: Non-Finnish European, 0.0006%; no homozygotes.

Submission:

PreventionGenetics, part of Exact Sciences
Classification: Uncertain significance for ALG5-related condition. Last evaluated: 2025-10-13. Review status: criteria provided, single submitter. Criteria: ACMG Guidelines, 2015. Collection method: clinical testing. Allele origin: germline.
Comment: The ALG5 c.871G>C variant is predicted to result in the amino acid substitution p.Val291Leu. To our knowledge, this variant has not been reported in the literature. This variant is reported in 0.0027% of alleles in individuals of European (Non-Finnish) descent in gnomAD. At this time, the clinical significance of this variant is uncertain due to the absence of conclusive functional and genetic evidence.